The following is an entry in ClinVar:

NM_000182.5(HADHA):c.1849G>T (p.Glu617Ter)

Genes: HADHA (hydroxyacyl-CoA dehydrogenase trifunctional multienzyme complex subunit alpha; minus strand), GAREM2 (GRB2 associated regulator of MAPK1 subtype 2; plus strand). Cytogenetic location: 2p23.3.
Variant type: single nucleotide variant.
Coding change: c.1849G>T on transcript NM_000182.5 (MANE Select); coding-DNA position 1849, G replaced by T.
Protein change: p.Glu617Ter; replaces glutamic acid 617 with a stop codon.
Molecular consequence: nonsense.
Genome position (GRCh38, 1-based): chr2:26,193,613, C>A on the plus strand (G>T on the coding strand, the complement: HADHA is on the minus strand). VCF-style: chr2-26193613-C-A. GRCh37 (hg19) VCF-style: chr2-26416482-C-A.
Other names: short protein forms E617*.
Identifiers: ClinVar variation 5014008 (VCV005014008.1).

ClinVar aggregate classification (germline): Pathogenic (1 of 4 stars; one submission).

Conditions:
Long chain 3-hydroxyacyl-CoA dehydrogenase deficiency. Also called: Deficiency of long-chain 3-hydroxyacyl-coenzyme A dehydrogenase; LCHAD Deficiency. Identifiers: Orphanet 5, MedGen C3711645, MONDO:0012173, OMIM 609016.

Submission:

Myriad Genetics, Inc.
Classification: Pathogenic for Long chain 3-hydroxyacyl-CoA dehydrogenase deficiency. Last evaluated: 2025-01-23. Review status: criteria provided, single submitter. Criteria: Myriad Autosomal Dominant, Autosomal Recessive and X-Linked Classification Criteria (2023). Collection method: clinical testing. Allele origin: unknown.
Comment: NM_000182.4(HADHA):c.1849G>T(E617*) is expected to be pathogenic in the context of HADHA-related disorders. This variant is predicted to lead to an abnormal or absent protein product due to the creation of a premature termination codon in HADHA, a gene where loss-of-function variants are known to be pathogenic. Please note: this variant was assessed in the context of healthy population screening.